The following is an entry in ClinVar:

ClinVar aggregate classification (germline): Likely pathogenic (1 of 4 stars; one submission).

Conditions:
Autosomal dominant nonsyndromic hearing loss 10. Identifiers: Orphanet 90635, MedGen C1832476, MONDO:0011031, OMIM 601316.

Submission:

Institute of Rare Diseases, West China Hospital, Sichuan University
Classification: Likely pathogenic for Autosomal dominant nonsyndromic hearing loss 10. Last evaluated: 2025-01-09. Review status: criteria provided, single submitter. Criteria: ClinGen HL ACMG Specifications v1. Collection method: research. Allele origin: germline. Affected: yes.
Comment: PVS1;PM2_Supporting

NM_004100.5(EYA4):c.1173T>G (p.Tyr391Ter)

Gene: EYA4 (EYA transcriptional coactivator and phosphatase 4; plus strand). Cytogenetic location: 6q23.2.
Variant type: single nucleotide variant.
Coding change: c.1173T>G on transcript NM_004100.5 (MANE Select); coding-DNA position 1173, T replaced by G.
Protein change: p.Tyr391Ter; replaces tyrosine 391 with a stop codon.
Molecular consequence: nonsense.
Genome position (GRCh38, 1-based): chr6:133,483,097, T>G. VCF-style: chr6-133483097-T-G. GRCh37 (hg19) VCF-style: chr6-133804235-T-G.
Other names: c.1011T>G, p.Tyr337Ter (NM_001301012.2); c.1191T>G, p.Tyr397Ter (NM_001301013.2); c.1104T>G, p.Tyr368Ter (NM_001370458.1, NM_172103.4); c.1029T>G, p.Tyr343Ter (NM_001370459.1); c.1173T>G, p.Tyr391Ter (NM_172105.4); short protein forms Y337*, Y343*, Y368*, Y391*, Y397*.
Identifiers: ClinVar variation 3601117 (VCV003601117.1).
Genomic context (GRCh38, chr6:133,483,097, plus strand): 5'-GTTTGTCTGGGATTTGGATGAAACCATCATTGTTTTTCACTCACTGCTCACCGGGTCTTA[T>G]GCACAGAAGTATGGCAAGGTAAGAAATCAAGAAATGTTACTCCAAGAAATCTTGTTAAAT-3'